The following is an entry in ClinVar:

ClinVar aggregate classification (germline): Uncertain significance (1 of 4 stars; one submission).

Conditions:
Neuropathy, hereditary sensory and autonomic, type 2A (HSAN2A). Also called: MORVAN DISEASE; NEUROPATHY, CONGENITAL SENSORY; NEUROPATHY, HEREDITARY SENSORY RADICULAR, AUTOSOMAL RECESSIVE; NEUROPATHY, HEREDITARY SENSORY, TYPE IIA; NEUROPATHY, PROGRESSIVE SENSORY, OF CHILDREN; ACROOSTEOLYSIS, GIACCAI TYPE. Identifiers: Orphanet 970, MedGen C2752089, MONDO:0024309, OMIM 201300.
Generalized epilepsy with febrile seizures plus, type 7 (GEFSP7). Also called: GEFS+, TYPE 7. Identifiers: Orphanet 36387, MedGen C2751778, MONDO:0013470, OMIM 613863.

Allele frequency attached by ClinVar (database versions not stated): gnomAD 0.00001; TOPMed 0.00001.
gnomAD v4.1: 4 of 1,613,040 alleles (0.00025%); highest among the groups gnomAD compares: African/African-American, 0.0013%; no homozygotes.

Submission:

Labcorp Genetics (formerly Invitae), Labcorp
Classification: Uncertain significance for Neuropathy, hereditary sensory and autonomic, type 2A; Generalized epilepsy with febrile seizures plus, type 7. Last evaluated: 2023-03-07. Review status: criteria provided, single submitter. Criteria: Invitae Variant Classification Sherloc (09022015). Collection method: clinical testing. Allele origin: germline.
Comment: This sequence change replaces glutamic acid, which is acidic and polar, with lysine, which is basic and polar, at codon 34 of the SCN9A protein (p.Glu34Lys). This variant is present in population databases (no rsID available, gnomAD 0.003%). This variant has not been reported in the literature in individuals affected with SCN9A-related conditions. Advanced modeling of protein sequence and biophysical properties (such as structural, functional, and spatial information, amino acid conservation, physicochemical variation, residue mobility, and thermodynamic stability) has been performed at Invitae for this missense variant, however the output from this modeling did not meet the statistical confidence thresholds required to predict the impact of this variant on SCN9A protein function. In summary, the available evidence is currently insufficient to determine the role of this variant in disease. Therefore, it has been classified as a Variant of Uncertain Significance.

NM_001365536.1(SCN9A):c.100G>A (p.Glu34Lys)

Gene: SCN9A (sodium voltage-gated channel alpha subunit 9; minus strand). Cytogenetic location: 2q24.3.
Variant type: single nucleotide variant.
Coding change: c.100G>A on transcript NM_001365536.1 (MANE Select); coding-DNA position 100, G replaced by A.
Protein change: p.Glu34Lys; replaces glutamic acid 34 with lysine.
Molecular consequence: missense variant.
Genome position (GRCh38, 1-based): chr2:166,311,657, C>T on the plus strand (G>A on the coding strand, the complement: SCN9A is on the minus strand). VCF-style: chr2-166311657-C-T. GRCh37 (hg19) VCF-style: chr2-167168167-C-T.
Other names: c.100G>A, p.Glu34Lys (NM_002977.4); short protein forms E34K.
Identifiers: ClinVar variation 2927968 (VCV002927968.3), dbSNP rs1274442703, ClinGen allele CA349096112.